The following is an entry in ClinVar:

NM_000426.4(LAMA2):c.2916T>G (p.Phe972Leu)

Gene: LAMA2 (laminin subunit alpha 2; plus strand). Cytogenetic location: 6q22.33.
Variant type: single nucleotide variant.
Coding change: c.2916T>G on transcript NM_000426.4 (MANE Select); coding-DNA position 2916, T replaced by G.
Protein change: p.Phe972Leu; replaces phenylalanine 972 with leucine.
Molecular consequence: missense variant.
Genome position (GRCh38, 1-based): chr6:129,297,744, T>G. VCF-style: chr6-129297744-T-G. GRCh37 (hg19) VCF-style: chr6-129618889-T-G.
Other names: c.2916T>G, p.Phe972Leu (NM_001079823.2); short protein forms F972L.
Identifiers: ClinVar variation 287909 (VCV000287909.38), dbSNP rs763840955, ClinGen allele CA3993110.

ClinVar aggregate classification (germline): Conflicting classifications of pathogenicity. Review status: criteria provided, conflicting classifications (1 of 4 stars). 7 submissions from 7 submitters: Likely pathogenic (1); Uncertain significance (6). Last evaluated 2026-08-10.

Conditions:
Inborn genetic diseases. Identifiers: MedGen C0950123, MeSH D030342.
Charcot-Marie-Tooth disease type 2. Also called: Charcot-Marie-Tooth type 2. Identifiers: Orphanet 64746, MedGen C0270914, MONDO:0018993.
LAMA2-related muscular dystrophy (LAMA2-RD). Also called: Laminin alpha 2-related dystrophy. Identifiers: MedGen C5679788, MONDO:0100228.

Allele frequency attached by ClinVar (database versions not stated): ExAC 0.00002; gnomAD 0.00002 and 0.00003; gnomAD exomes 0.00002; TOPMed 0.00002.
gnomAD v4.1: 27 of 1,614,030 alleles (0.0017%); highest among the groups gnomAD compares: Middle Eastern, 0.016%; no homozygotes.

Submissions (7):

Myriad Genetics, Inc.
Classification: Uncertain significance for LAMA2-related muscular dystrophy. Last evaluated: 2026-08-10. Review status: criteria provided, single submitter. Criteria: Myriad Autosomal Dominant, Autosomal Recessive and X-Linked Classification Criteria (2023). Collection method: clinical testing. Allele origin: unknown.
Comment: NM_000426.3(LAMA2):c.2916T>G(F972L) is a missense variant classified as a variant of uncertain significance in the context of muscular dystrophy, LAMA2-related. F972L has been observed in a case with relevant disease (PMID: 31069529). Relevant functional assessments of this variant are not available in the literature. F972L has been observed in referenced population frequency databases. In summary, there is insufficient evidence to classify NM_000426.3(LAMA2):c.2916T>G(F972L) as pathogenic or benign. Please note: this variant was assessed in the context of healthy population screening.

Labcorp Genetics (formerly Invitae), Labcorp
Classification: Uncertain significance for LAMA2-related muscular dystrophy. Last evaluated: 2023-12-06. Review status: criteria provided, single submitter. Criteria: Invitae Variant Classification Sherloc (09022015). Collection method: clinical testing. Allele origin: germline.
Comment: This sequence change replaces phenylalanine, which is neutral and non-polar, with leucine, which is neutral and non-polar, at codon 972 of the LAMA2 protein (p.Phe972Leu). This variant is present in population databases (rs763840955, gnomAD 0.003%). This missense change has been observed in individual(s) with LAMA2-related conditions (PMID: 31069529). ClinVar contains an entry for this variant (Variation ID: 287909). Advanced modeling of protein sequence and biophysical properties (such as structural, functional, and spatial information, amino acid conservation, physicochemical variation, residue mobility, and thermodynamic stability) performed at Invitae indicates that this missense variant is not expected to disrupt LAMA2 protein function with a negative predictive value of 95%. In summary, the available evidence is currently insufficient to determine the role of this variant in disease. Therefore, it has been classified as a Variant of Uncertain Significance.

CeGaT Center for Human Genetics Tuebingen
Classification: Uncertain significance. Last evaluated: 2023-08-01. Review status: criteria provided, single submitter. Criteria: CeGaT Center For Human Genetics Tuebingen Variant Classification Criteria Version 2. Collection method: clinical testing. Allele origin: germline. Affected: yes. Observed: 1 variant allele.
Comment: LAMA2: PM2

Ambry Genetics
Classification: Uncertain significance for Inborn genetic diseases. Last evaluated: 2021-07-16. Review status: criteria provided, single submitter. Criteria: Ambry Variant Classification Scheme 2023. Collection method: clinical testing. Allele origin: germline.

Revvity Omics, Revvity
Classification: Uncertain significance. Last evaluated: 2019-08-22. Review status: criteria provided, single submitter. Criteria: ACMG Guidelines, 2015. Collection method: clinical testing. Allele origin: germline.

Eurofins Ntd Llc (ga)
Classification: Uncertain significance. Last evaluated: 2016-06-21. Review status: criteria provided, single submitter. Criteria: EGL Classification Definitions 2015. Collection method: clinical testing. Allele origin: germline. Observed: 1 variant allele, 1 heterozygote.

Genetics Research Center, University of Social Welfare and Rehabilitation Sciences
Classification: Likely pathogenic for Charcot-Marie-Tooth type 2. Review status: criteria provided, single submitter. Criteria: ACMG Guidelines, 2015. Collection method: clinical testing. Allele origin: germline. Inheritance: Autosomal recessive inheritance. Affected: yes.
Comment: This variant causes a missense change involving the alteration of a non-conserved nucleotide. The variant allele was found at a very low frequency of 0.0000167 in 1,614,030 control chromosomes in the GnomAD database, with no homozygous occurrence. Overall, the variant meets PM2, and PP1 ACMG criteria.

Literature cited by the submitters: PubMed 31069529 (cited by Myriad Genetics, Inc. and Labcorp Genetics (formerly Invitae), Labcorp); PubMed 41765988 (cited by Genetics Research Center, University of Social Welfare and Rehabilitation Sciences).